The following is an entry in ClinVar:

NM_001040105.2(MUC17):c.13107C>T (p.Cys4369=)

Gene: MUC17 (mucin 17, cell surface associated; plus strand). Cytogenetic location: 7q22.1.
Variant type: single nucleotide variant.
Coding change: c.13107C>T on transcript NM_001040105.2 (MANE Select); coding-DNA position 13107, C replaced by T.
Protein change: p.Cys4369=; no amino-acid change (cysteine 4369 retained).
Molecular consequence: synonymous variant. On other transcripts: non-coding transcript variant (1).
Genome position (GRCh38, 1-based): chr7:101,052,989, C>T. VCF-style: chr7-101052989-C-T. GRCh37 (hg19) VCF-style: chr7-100696270-C-T.
Identifiers: ClinVar variation 2657851 (VCV002657851.24), dbSNP rs577795174, ClinGen allele CA4404822.

ClinVar aggregate classification (germline): Likely benign (1 of 4 stars; one submission).

Allele frequency attached by ClinVar (database versions not stated): TOPMed 0.00001; gnomAD 0.00003; 1000 Genomes Project 0.00020; 1000 Genomes Project 30x 0.00031.
gnomAD v4.1: 62 of 1,612,086 alleles (0.0038%); highest among the groups gnomAD compares: South Asian, 0.04%; no homozygotes.

Submission:

CeGaT Center for Human Genetics Tuebingen
Classification: Likely benign. Last evaluated: 2022-10-01. Review status: criteria provided, single submitter. Criteria: CeGaT Center For Human Genetics Tuebingen Variant Classification Criteria Version 2. Collection method: clinical testing. Allele origin: germline. Affected: yes. Observed: 1 variant allele.
Comment: MUC17: BP4, BP7